The following is an entry in ClinVar:

NM_001999.4(FBN2):c.3572T>A (p.Leu1191Gln)

Gene: FBN2 (fibrillin 2; minus strand). Cytogenetic location: 5q23.3.
Variant type: single nucleotide variant.
Coding change: c.3572T>A on transcript NM_001999.4 (MANE Select); coding-DNA position 3572, T replaced by A.
Protein change: p.Leu1191Gln; replaces leucine 1191 with glutamine.
Molecular consequence: missense variant.
Genome position (GRCh38, 1-based): chr5:128,338,023, A>T on the plus strand (T>A on the coding strand, the complement: FBN2 is on the minus strand). VCF-style: chr5-128338023-A-T. GRCh37 (hg19) VCF-style: chr5-127673715-A-T.
Other names: short protein forms L1191Q.
Identifiers: ClinVar variation 4825913 (VCV004825913.1).

ClinVar aggregate classification (germline): Uncertain significance (1 of 4 stars; one submission).

Conditions:
Familial thoracic aortic aneurysm and aortic dissection (TAAD). Also called: Thoracic aortic aneurysms and dissections. Identifiers: Orphanet 91387, MedGen C4707243, MONDO:0019625.

Submission:

Ambry Genetics
Classification: Uncertain significance for Familial thoracic aortic aneurysm and aortic dissection. Last evaluated: 2026-03-12. Review status: criteria provided, single submitter. Criteria: Ambry Variant Classification Scheme 2023. Collection method: clinical testing. Allele origin: germline.
Comment: The p.L1191Q variant (also known as c.3572T>A), located in coding exon 27 of the FBN2 gene, results from a T to A substitution at nucleotide position 3572. The leucine at codon 1191 is replaced by glutamine, an amino acid with dissimilar properties. This amino acid position is conserved. In addition, this alteration is predicted to be deleterious by in silico analysis. Based on the available evidence, the clinical significance of this variant remains unclear.